The following is an entry in ClinVar:

NM_015721.3(GEMIN4):c.961C>G (p.His321Asp)

Gene: GEMIN4 (gem nuclear organelle associated protein 4; minus strand). Cytogenetic location: 17p13.3.
Variant type: single nucleotide variant.
Coding change: c.961C>G on transcript NM_015721.3 (MANE Select); coding-DNA position 961, C replaced by G.
Protein change: p.His321Asp; replaces histidine 321 with aspartic acid.
Molecular consequence: missense variant.
Genome position (GRCh38, 1-based): chr17:747,082, G>C on the plus strand (C>G on the coding strand, the complement: GEMIN4 is on the minus strand). VCF-style: chr17-747082-G-C. GRCh37 (hg19) VCF-style: chr17-650322-G-C.
Other names: short protein forms H321D.
Identifiers: ClinVar variation 4822151 (VCV004822151.4).
Genomic context (GRCh38, chr17:747,082, plus strand): 5'-TCCCCTGGCTGCTGCGGAGCACGGCCTGCAACTCCTCCCCCCACTCCCGCAGCAGGTGGT[G>C]CAGGAACTCGCAGCCCACGAAAATGGTCTCACTGGGGAGTTTGGCCAGCGAGGTCAGGCT-3'
Protein context (NP_056536.2, residues 311-331): ETIFVGCEFL[His321Asp]HLLREWGEEL

ClinVar aggregate classification (germline): Uncertain significance (1 of 4 stars; one submission).

gnomAD v4.1: 39 of 1,613,666 alleles (0.0024%); highest among the groups gnomAD compares: Non-Finnish European, 0.0025%; no homozygotes.

Submission:

CeGaT Center for Human Genetics Tuebingen
Classification: Uncertain significance. Last evaluated: 2026-02-01. Review status: criteria provided, single submitter. Criteria: CeGaT Center For Human Genetics Tuebingen Variant Classification Criteria Version 2. Collection method: clinical testing. Allele origin: germline. Affected: yes. Observed: 1 variant allele.
Comment: GEMIN4: PM2, BP4